The following is an entry in ClinVar:

NM_000138.5(FBN1):c.3579A>G (p.Leu1193=)

Gene: FBN1 (fibrillin 1; minus strand). Cytogenetic location: 15q21.1.
Variant type: single nucleotide variant.
Coding change: c.3579A>G on transcript NM_000138.5 (MANE Select); coding-DNA position 3579, A replaced by G.
Protein change: p.Leu1193=; no amino-acid change (leucine 1193 retained).
Molecular consequence: synonymous variant.
Genome position (GRCh38, 1-based): chr15:48,487,085, T>C on the plus strand (A>G on the coding strand, the complement: FBN1 is on the minus strand). VCF-style: chr15-48487085-T-C. GRCh37 (hg19) VCF-style: chr15-48779282-T-C.
Other names: c.3579A>G, p.Leu1193= (NM_001406716.1).
Identifiers: ClinVar variation 2923567 (VCV002923567.6), dbSNP rs1013177717, ClinGen allele CA269528399.

ClinVar aggregate classification (germline): Likely benign. Review status: criteria provided, multiple submitters, no conflicts (2 of 4 stars). 4 submissions from 4 submitters: Likely benign (4). Last evaluated 2025-06-25.

Conditions:
Familial thoracic aortic aneurysm and aortic dissection (TAAD). Also called: Thoracic aortic aneurysms and dissections. Identifiers: Orphanet 91387, MedGen C4707243, MONDO:0019625.
Marfan syndrome (MFS). Also called: MARFAN SYNDROME, TYPE I; Marfan syndrome type 1; Marfan's syndrome; Marfan syndrome, classic; FBN1-Related Marfan Syndrome. Identifiers: Orphanet 284963, Orphanet 558, MedGen C0024796, MONDO:0007947, OMIM 154700.

Allele frequency attached by ClinVar (database versions not stated): gnomAD 0.00001.
gnomAD v4.1: 5 of 1,605,698 alleles (0.00031%); highest among the groups gnomAD compares: South Asian, 0.0011%; no homozygotes.

Submissions (4):

Labcorp Genetics (formerly Invitae), Labcorp
Classification: Likely benign for Marfan syndrome; Familial thoracic aortic aneurysm and aortic dissection. Last evaluated: 2025-06-25. Review status: criteria provided, single submitter. Criteria: Invitae Variant Classification Sherloc (09022015). Collection method: clinical testing. Allele origin: germline.

Ambry Genetics
Classification: Likely benign for Familial thoracic aortic aneurysm and aortic dissection. Last evaluated: 2025-01-06. Review status: criteria provided, single submitter. Criteria: Ambry Variant Classification Scheme 2023. Collection method: clinical testing. Allele origin: germline.

All of Us Research Program, National Institutes of Health
Classification: Likely benign for Marfan syndrome. Last evaluated: 2023-09-17. Review status: criteria provided, single submitter. Criteria: ACMG Guidelines, 2015. Collection method: clinical testing. Allele origin: germline. Inheritance: Autosomal dominant inheritance. Observed: 3 variant alleles, 3 heterozygotes.
Comment: This study involves interpretation of variants in research participants for the purpose of population health screening. Participant phenotype was not available at the time of variant classification. Additional details can be found in publication PMID: 35346344, PMCID: PMC8962531

Color Diagnostics, LLC DBA Color Health
Classification: Likely benign for Familial thoracic aortic aneurysm and aortic dissection. Last evaluated: 2022-11-06. Review status: criteria provided, single submitter. Criteria: ACMG Guidelines, 2015. Collection method: clinical testing. Allele origin: germline.